The following is an entry in ClinVar:

NM_003072.5(SMARCA4):c.932C>T (p.Pro311Leu)

Gene: SMARCA4 (SWI/SNF related BAF chromatin remodeling complex subunit ATPase 4; plus strand). Cytogenetic location: 19p13.2.
Variant type: single nucleotide variant.
Coding change: c.932C>T on transcript NM_003072.5 (MANE Select); coding-DNA position 932, C replaced by T.
Protein change: p.Pro311Leu; replaces proline 311 with leucine.
Molecular consequence: missense variant. On other transcripts: non-coding transcript variant (1).
Genome position (GRCh38, 1-based): chr19:10,987,738, C>T. VCF-style: chr19-10987738-C-T. GRCh37 (hg19) VCF-style: chr19-11098414-C-T.
Other names: c.932C>T, p.Pro311Leu (NM_001128844.3, NM_001128845.2, NM_001128846.2 and 6 more transcripts); short protein forms P311L.
Identifiers: ClinVar variation 3636841 (VCV003636841.2).

ClinVar aggregate classification (germline): Uncertain significance (1 of 4 stars; one submission).

Conditions:
Rhabdoid tumor predisposition syndrome 2 (RTPS2). Identifiers: Orphanet 231108, Orphanet 69077, MedGen C2750074, MONDO:0013224, OMIM 613325.

Submission:

Labcorp Genetics (formerly Invitae), Labcorp
Classification: Uncertain significance for Rhabdoid tumor predisposition syndrome 2. Last evaluated: 2024-11-03. Review status: criteria provided, single submitter. Criteria: Invitae Variant Classification Sherloc (09022015). Collection method: clinical testing. Allele origin: germline.
Comment: This sequence change replaces proline, which is neutral and non-polar, with leucine, which is neutral and non-polar, at codon 311 of the SMARCA4 protein (p.Pro311Leu). This variant is not present in population databases (gnomAD no frequency). This variant has not been reported in the literature in individuals affected with SMARCA4-related conditions. Invitae Evidence Modeling of protein sequence and biophysical properties (such as structural, functional, and spatial information, amino acid conservation, physicochemical variation, residue mobility, and thermodynamic stability) has been performed for this missense variant. However, the output from this modeling did not meet the statistical confidence thresholds required to predict the impact of this variant on SMARCA4 protein function. In summary, the available evidence is currently insufficient to determine the role of this variant in disease. Therefore, it has been classified as a Variant of Uncertain Significance.